The following is an entry in ClinVar:

ClinVar aggregate classification (germline): Uncertain significance (1 of 4 stars; one submission).

Submission:

GeneDx
Classification: Uncertain significance. Last evaluated: 2024-10-09. Review status: criteria provided, single submitter. Criteria: GeneDx Variant Classification Process June 2021. Collection method: clinical testing. Allele origin: germline. Affected: yes.
Comment: Not observed at significant frequency in large population cohorts (gnomAD); In silico analysis supports that this missense variant has a deleterious effect on protein structure/function; In silico analysis supports a deleterious effect on splicing; Has not been previously published as pathogenic or benign to our knowledge

NM_015057.5(MYCBP2):c.13360T>G (p.Cys4454Gly)

Gene: MYCBP2 (MYC binding protein 2; minus strand). Cytogenetic location: 13q22.3.
Variant type: single nucleotide variant.
Coding change: c.13360T>G on transcript NM_015057.5 (MANE Select); coding-DNA position 13360, T replaced by G.
Protein change: p.Cys4454Gly; replaces cysteine 4454 with glycine.
Molecular consequence: missense variant.
Genome position (GRCh38, 1-based): chr13:77,057,063, A>C on the plus strand (T>G on the coding strand, the complement: MYCBP2 is on the minus strand). VCF-style: chr13-77057063-A-C. GRCh37 (hg19) VCF-style: chr13-77631198-A-C.
Other names: short protein forms C4454G.
Identifiers: ClinVar variation 3777584 (VCV003777584.1).